The following is an entry in ClinVar:

ClinVar aggregate classification (germline): Likely benign (0 of 4 stars; one submission).

Conditions:
BIRC6-related disorder. Also called: BIRC6-related condition.

Allele frequency attached by ClinVar (database versions not stated): gnomAD exomes 0.00003; ExAC 0.00008; gnomAD 0.00029; TOPMed 0.00034; ESP Exome Variant Server 0.00038.
gnomAD v4.1: 89 of 1,521,466 alleles (0.0058%); highest among the groups gnomAD compares: African/African-American, 0.096%; 1 homozygote.

Submission:

PreventionGenetics, part of Exact Sciences
Classification: Likely benign for BIRC6-related condition. Last evaluated: 2019-09-18. Review status: no assertion criteria provided. Collection method: clinical testing. Allele origin: germline.
Comment: This variant is classified as likely benign based on ACMG/AMP sequence variant interpretation guidelines (Richards et al. 2015 PMID: 25741868, with internal and published modifications).

NM_016252.4(BIRC6):c.13062T>C (p.Asn4354=)

Gene: BIRC6 (baculoviral IAP repeat containing 6; plus strand). Cytogenetic location: 2p22.3.
Variant type: single nucleotide variant.
Coding change: c.13062T>C on transcript NM_016252.4 (MANE Select); coding-DNA position 13062, T replaced by C.
Protein change: p.Asn4354=; no amino-acid change (asparagine 4354 retained).
Molecular consequence: synonymous variant.
Genome position (GRCh38, 1-based): chr2:32,549,399, T>C. VCF-style: chr2-32549399-T-C. GRCh37 (hg19) VCF-style: chr2-32774466-T-C.
Other names: c.13059T>C, p.Asn4353= (NM_001378125.1).
Identifiers: ClinVar variation 3040028 (VCV003040028.2), dbSNP rs149447533, ClinGen allele CA1605434.